The following is an entry in ClinVar:

ClinVar aggregate classification (germline): Conflicting classifications of pathogenicity. Review status: criteria provided, conflicting classifications (1 of 4 stars). 3 submissions from 3 submitters: Uncertain significance (1); Likely benign (2). Last evaluated 2024-10-21.

Conditions:
Early-infantile DEE. Also called: Ohtahara syndrome; Early infantile epileptic encephalopathy with suppression bursts; Early infantile epileptic encephalopathy. Identifiers: Orphanet 1934, MedGen C0393706, MONDO:0800491.

Allele frequency attached by ClinVar (database versions not stated): gnomAD below 0.00001 and 0.00002; TOPMed below 0.00001; ExAC 0.00004; gnomAD exomes 0.00004; 1000 Genomes Project 30x 0.00016; 1000 Genomes Project 0.00020.
gnomAD v4.1: 39 of 1,614,002 alleles (0.0024%); highest among the groups gnomAD compares: South Asian, 0.036%; no homozygotes.

Submissions (3):

Labcorp Genetics (formerly Invitae), Labcorp
Classification: Likely benign for Early-infantile DEE. Last evaluated: 2024-10-21. Review status: criteria provided, single submitter. Criteria: Invitae Variant Classification Sherloc (09022015). Collection method: clinical testing. Allele origin: germline.

GeneDx
Classification: Likely benign. Last evaluated: 2017-09-19. Review status: criteria provided, single submitter. Criteria: GeneDx Variant Classification (06012015). Collection method: clinical testing. Allele origin: germline. Affected: yes.
Comment: This variant is considered likely benign or benign based on one or more of the following criteria: it is a conservative change, it occurs at a poorly conserved position in the protein, it is predicted to be benign by multiple in silico algorithms, and/or has population frequency not consistent with disease.

Eurofins Ntd Llc (ga)
Classification: Uncertain significance. Last evaluated: 2014-04-16. Review status: criteria provided, single submitter. Criteria: EGL Classification Definitions 2015. Collection method: clinical testing. Allele origin: germline. Observed: 1 variant allele, 1 heterozygote.

NM_001330260.2(SCN8A):c.3060G>A (p.Gln1020=)

Gene: SCN8A (sodium voltage-gated channel alpha subunit 8; plus strand). Cytogenetic location: 12q13.13.
Variant type: single nucleotide variant.
Coding change: c.3060G>A on transcript NM_001330260.2 (MANE Select); coding-DNA position 3060, G replaced by A.
Protein change: p.Gln1020=; no amino-acid change (glutamine 1020 retained).
Molecular consequence: synonymous variant.
Genome position (GRCh38, 1-based): chr12:51,769,023, G>A. VCF-style: chr12-51769023-G-A. GRCh37 (hg19) VCF-style: chr12-52162807-G-A.
Other names: c.3060G>A, p.Gln1020= (NM_001177984.3, NM_001369788.1, NM_014191.4).
Identifiers: ClinVar variation 167655 (VCV000167655.13), dbSNP rs528718802, ClinGen allele CA234891.